The following is an entry in ClinVar:

ClinVar aggregate classification (germline): Uncertain significance. Review status: criteria provided, multiple submitters, no conflicts (2 of 4 stars). 2 submissions from 2 submitters: Uncertain significance (2). Last evaluated 2024-03-14.

Conditions:
Inborn genetic diseases. Identifiers: MedGen C0950123, MeSH D030342.
Epidermolysis bullosa simplex 3, localized or generalized intermediate, with BP230 deficiency (EBS3). Also called: Epidermolysis bullosa simplex due to BP230 deficiency; Epidermolysis bullosa simplex, autosomal recessive 2. Identifiers: Orphanet 412181, MedGen C3809470, MONDO:0014180, OMIM 615425.
Hereditary sensory and autonomic neuropathy type 6. Also called: HSAN VI; Neuropathy, hereditary sensory and autonomic, type VI. Identifiers: Orphanet 314381, MedGen C3539003, MONDO:0013839, OMIM 614653.

Allele frequency attached by ClinVar (database versions not stated): gnomAD exomes 0.00001 and 0.00002; TOPMed 0.00001; ExAC 0.00002; gnomAD 0.00002 and 0.00003.
gnomAD v4.1: 22 of 1,613,102 alleles (0.0014%); highest among the groups gnomAD compares: South Asian, 0.0088%; no homozygotes.

Submissions (2):

Labcorp Genetics (formerly Invitae), Labcorp
Classification: Uncertain significance for Epidermolysis bullosa simplex 3, localized or generalized intermediate, with BP230 deficiency; Hereditary sensory and autonomic neuropathy type 6. Last evaluated: 2024-03-14. Review status: criteria provided, single submitter. Criteria: Invitae Variant Classification Sherloc (09022015). Collection method: clinical testing. Allele origin: germline.
Comment: The DST gene has multiple clinically relevant transcripts. This variant occurs in alternate transcript NM_015548.4, and corresponds to NM_001723.5:c.*99895T>G in the primary transcript. This sequence change replaces isoleucine, which is neutral and non-polar, with serine, which is neutral and polar, at codon 3512 of the DST protein (p.Ile3512Ser). This variant is present in population databases (rs760688522, gnomAD 0.007%). This variant has not been reported in the literature in individuals affected with DST-related conditions. ClinVar contains an entry for this variant (Variation ID: 658647) In summary, the available evidence is currently insufficient to determine the role of this variant in disease. Therefore, it has been classified as a Variant of Uncertain Significance.

Ambry Genetics
Classification: Uncertain significance for Inborn genetic diseases. Last evaluated: 2020-11-03. Review status: criteria provided, single submitter. Criteria: Ambry Variant Classification Scheme 2023. Collection method: clinical testing. Allele origin: germline.
Comment: The p.I4016S variant (also known as c.12047T>G), located in coding exon 66 of the DST gene, results from a T to G substitution at nucleotide position 12047. The isoleucine at codon 4016 is replaced by serine, an amino acid with dissimilar properties. This amino acid position is not well conserved in available vertebrate species. In addition, this alteration is predicted to be tolerated by in silico analysis. Since supporting evidence is limited at this time, the clinical significance of this alteration remains unclear.

NM_001374736.1(DST):c.18404T>G (p.Ile6135Ser)

Gene: DST (dystonin; minus strand). Cytogenetic location: 6p12.1.
Variant type: single nucleotide variant.
Coding change: c.18404T>G on transcript NM_001374736.1 (MANE Select); coding-DNA position 18404, T replaced by G.
Protein change: p.Ile6135Ser; replaces isoleucine 6135 with serine.
Molecular consequence: missense variant.
Genome position (GRCh38, 1-based): chr6:56,515,622, A>C on the plus strand (T>G on the coding strand, the complement: DST is on the minus strand). VCF-style: chr6-56515622-A-C. GRCh37 (hg19) VCF-style: chr6-56380420-A-C.
Other names: c.12047T>G, p.Ile4016Ser (NM_001144769.5); c.11633T>G, p.Ile3878Ser (NM_001144770.2); c.18404T>G, p.Ile6135Ser (NM_001374722.1); c.17444T>G, p.Ile5815Ser (NM_001374729.1); c.11186T>G, p.Ile3729Ser (NM_001374730.1); c.18431T>G, p.Ile6144Ser (NM_001374734.1); c.11513T>G, p.Ile3838Ser (NM_001386100.1, NM_183380.4); c.10535T>G, p.Ile3512Ser (NM_015548.5); short protein forms I3512S, I4016S, I3838S, I3878S, I3729S, I5815S, I6135S, I6144S.
Identifiers: ClinVar variation 658647 (VCV000658647.11), dbSNP rs760688522, ClinGen allele CA3867205.
Genomic context (GRCh38, chr6:56,515,622, plus strand): 5'-TCCCAGAATTGGTTAACCAGGGACTGTGCCCGTTCCAGCTGCAGATACCTTTCTGAATTA[A>C]TCTGGCAGATGGTATCATAGTTCTTCAGTACCTTGTCCAGTTTTTTCTAGAAAATAAAAG-3'
Protein context (NP_001361665.1, residues 6125-6145): VLKNYDTICQ[Ile6135Ser]NSERYLQLER